The following is an entry in ClinVar:

NM_005751.5(AKAP9):c.4453C>G (p.Gln1485Glu)

Gene: AKAP9 (A-kinase anchoring protein 9; plus strand). Cytogenetic location: 7q21.2.
Variant type: single nucleotide variant.
Coding change: c.4453C>G on transcript NM_005751.5 (MANE Select); coding-DNA position 4453, C replaced by G.
Protein change: p.Gln1485Glu; replaces glutamine 1485 with glutamic acid.
Molecular consequence: missense variant.
Genome position (GRCh38, 1-based): chr7:92,038,533, C>G. VCF-style: chr7-92038533-C-G. GRCh37 (hg19) VCF-style: chr7-91667847-C-G.
Other names: c.4453C>G, p.Gln1485Glu (NM_147185.3); short protein forms Q1485E.
Identifiers: ClinVar variation 2913659 (VCV002913659.3), dbSNP rs2484807861, ClinGen allele CA368128787.

ClinVar aggregate classification (germline): Uncertain significance (1 of 4 stars; one submission).

Conditions:
Long QT syndrome (LQTS). Identifiers: MedGen C0023976, MeSH D008133, MONDO:0002442. Disease mechanism: loss of function. Inheritance: Various modes of inheritance.

Allele frequency attached by ClinVar (database versions not stated): gnomAD exomes below 0.00001.
gnomAD v4.1: 3 of 1,613,748 alleles (0.00019%); highest among the groups gnomAD compares: Non-Finnish European, 0.00017%; no homozygotes.

Submission:

Labcorp Genetics (formerly Invitae), Labcorp
Classification: Uncertain significance for Long QT syndrome. Last evaluated: 2024-10-18. Review status: criteria provided, single submitter. Criteria: Invitae Variant Classification Sherloc (09022015). Collection method: clinical testing. Allele origin: germline.
Comment: This sequence change replaces glutamine, which is neutral and polar, with glutamic acid, which is acidic and polar, at codon 1485 of the AKAP9 protein (p.Gln1485Glu). This variant is not present in population databases (gnomAD no frequency). This variant has not been reported in the literature in individuals affected with AKAP9-related conditions. An algorithm developed to predict the effect of missense changes on protein structure and function outputs the following: PolyPhen-2: "Benign". The glutamic acid amino acid residue is found in multiple mammalian species, which suggests that this missense change does not adversely affect protein function. In summary, the available evidence is currently insufficient to determine the role of this variant in disease. Therefore, it has been classified as a Variant of Uncertain Significance.